The following is an entry in ClinVar:

ClinVar aggregate classification (germline): Uncertain significance (1 of 4 stars; one submission).

Conditions:
Cowden syndrome 6 (CWS6). Identifiers: Orphanet 201, MedGen C3554519, MONDO:0014048, OMIM 615109.

Allele frequency attached by ClinVar (database versions not stated): gnomAD 0.00001; ExAC 0.00002; gnomAD exomes 0.00002; TOPMed 0.00002.
gnomAD v4.1: 35 of 1,613,566 alleles (0.0022%); highest among the groups gnomAD compares: Middle Eastern, 0.016%; no homozygotes.

Submission:

Labcorp Genetics (formerly Invitae), Labcorp
Classification: Uncertain significance for Cowden syndrome 6. Last evaluated: 2024-04-16. Review status: criteria provided, single submitter. Criteria: Invitae Variant Classification Sherloc (09022015). Collection method: clinical testing. Allele origin: germline.
Comment: This sequence change replaces arginine, which is basic and polar, with histidine, which is basic and polar, at codon 48 of the AKT1 protein (p.Arg48His). This variant is present in population databases (rs774836044, gnomAD 0.03%). This variant has not been reported in the literature in individuals affected with AKT1-related conditions. ClinVar contains an entry for this variant (Variation ID: 573811). An algorithm developed to predict the effect of missense changes on protein structure and function (PolyPhen-2) suggests that this variant is likely to be disruptive. In summary, the available evidence is currently insufficient to determine the role of this variant in disease. Therefore, it has been classified as a Variant of Uncertain Significance.

NM_001382430.1(AKT1):c.143G>A (p.Arg48His)

Gene: AKT1 (AKT serine/threonine kinase 1; minus strand). Cytogenetic location: 14q32.33.
Variant type: single nucleotide variant.
Coding change: c.143G>A on transcript NM_001382430.1 (MANE Select); coding-DNA position 143, G replaced by A.
Protein change: p.Arg48His; replaces arginine 48 with histidine.
Molecular consequence: missense variant.
Genome position (GRCh38, 1-based): chr14:104,780,120, C>T on the plus strand (G>A on the coding strand, the complement: AKT1 is on the minus strand). VCF-style: chr14-104780120-C-T. GRCh37 (hg19) VCF-style: chr14-105246457-C-T.
Other names: c.143G>A, p.Arg48His (NM_001014431.2, NM_001014432.2, NM_001382431.1 and 3 more transcripts); short protein forms R48H.
Identifiers: ClinVar variation 573811 (VCV000573811.11), dbSNP rs774836044, ClinGen allele CA7374895.
Genomic context (GRCh38, chr14:104,780,120, plus strand): 5'-AATCCCGAGAGGCCAAGGGGATACTTACGCGCCACAGAGAAGTTGTTGAGGGGAGCCTCA[C>T]GTTGGTCCACATCCTGCGGCCGCTCCTTGTAGCCAATGAAGGTGCCATCATTCTTGAGGA-3'
Protein context (NP_001369359.1, residues 38-58): YKERPQDVDQ[Arg48His]EAPLNNFSVA